The following is an entry in ClinVar:

NC_000017.10:g.(?_10547648)_(10550763_?)del

Gene: MYH3 (myosin heavy chain 3; minus strand). Cytogenetic location: 17p13.1.
Variant type: Deletion.
Identifiers: ClinVar variation 1421442 (VCV001421442.4).

ClinVar aggregate classification (germline): Uncertain significance (1 of 4 stars; one submission).

Submission:

Labcorp Genetics (formerly Invitae), Labcorp
Classification: Uncertain significance. Last evaluated: 2022-12-06. Review status: criteria provided, single submitter. Criteria: Invitae Variant Classification Sherloc (09022015). Collection method: clinical testing. Allele origin: germline.
Comment: In summary, the available evidence is currently insufficient to determine the role of this variant in disease. Therefore, it has been classified as a Variant of Uncertain Significance. Experimental studies and prediction algorithms are not available or were not evaluated, and the functional significance of this variant is currently unknown. This variant has not been reported in the literature in individuals affected with MYH3-related conditions. This variant is a gross deletion of the genomic region encompassing exon(s) 9-14 of the MYH3 gene. This variant would be expected to be in-frame, preserving the integrity of the reading frame.